The following is an entry in ClinVar:

NM_153240.5(NPHP3):c.545A>G (p.Glu182Gly)

Genes: NPHP3 (nephrocystin 3; minus strand), NPHP3-ACAD11 (NPHP3-ACAD11 readthrough (NMD candidate); minus strand). Cytogenetic location: 3q22.1.
Variant type: single nucleotide variant.
Coding change: c.545A>G on transcript NM_153240.5 (MANE Select); coding-DNA position 545, A replaced by G.
Protein change: p.Glu182Gly; replaces glutamic acid 182 with glycine.
Molecular consequence: missense variant. On other transcripts: non-coding transcript variant (1).
Genome position (GRCh38, 1-based): chr3:132,719,119, T>C on the plus strand (A>G on the coding strand, the complement: NPHP3 is on the minus strand). VCF-style: chr3-132719119-T-C. GRCh37 (hg19) VCF-style: chr3-132437963-T-C.
Other names: short protein forms E182G.
Identifiers: ClinVar variation 2825257 (VCV002825257.3), dbSNP rs2530505075, ClinGen allele CA354587521.

ClinVar aggregate classification (germline): Uncertain significance (1 of 4 stars; one submission).

Conditions:
Nephronophthisis. Also called: Juvenile Nephronophthisis. Identifiers: Orphanet 655, MedGen C0687120, MONDO:0019005, HP:0000090.

Submission:

Labcorp Genetics (formerly Invitae), Labcorp
Classification: Uncertain significance for Nephronophthisis. Last evaluated: 2023-04-23. Review status: criteria provided, single submitter. Criteria: Invitae Variant Classification Sherloc (09022015). Collection method: clinical testing. Allele origin: germline.
Comment: In summary, the available evidence is currently insufficient to determine the role of this variant in disease. Therefore, it has been classified as a Variant of Uncertain Significance. Advanced modeling of protein sequence and biophysical properties (such as structural, functional, and spatial information, amino acid conservation, physicochemical variation, residue mobility, and thermodynamic stability) performed at Invitae indicates that this missense variant is not expected to disrupt NPHP3 protein function. This variant has not been reported in the literature in individuals affected with NPHP3-related conditions. This variant is not present in population databases (gnomAD no frequency). This sequence change replaces glutamic acid, which is acidic and polar, with glycine, which is neutral and non-polar, at codon 182 of the NPHP3 protein (p.Glu182Gly).